The following is an entry in ClinVar:

ClinVar aggregate classification (germline): Uncertain significance (1 of 4 stars; one submission).

Conditions:
Granulomatous disease, chronic, X-linked. Also called: CYTOCHROME b-NEGATIVE GRANULOMATOUS DISEASE, CHRONIC, X-LINKED; GRANULOMATOUS DISEASE, CHRONIC, X-LINKED, SOMATIC MOSAIC. Identifiers: Orphanet 379, MedGen C1844376, MONDO:0010600, OMIM 306400.

Submission:

Labcorp Genetics (formerly Invitae), Labcorp
Classification: Uncertain significance for Granulomatous disease, chronic, X-linked. Last evaluated: 2020-11-21. Review status: criteria provided, single submitter. Criteria: Invitae Variant Classification Sherloc (09022015). Collection method: clinical testing. Allele origin: germline.
Comment: In summary, the available evidence is currently insufficient to determine the role of this variant in disease. Therefore, it has been classified as a Variant of Uncertain Significance. Nucleotide substitutions within the consensus splice site are a relatively common cause of aberrant splicing (PMID: 17576681, 9536098). Algorithms developed to predict the effect of sequence changes on RNA splicing suggest that this variant may disrupt the consensus splice site, but this prediction has not been confirmed by published transcriptional studies. This variant has not been reported in the literature in individuals with CYBB-related conditions. This variant is not present in population databases (ExAC no frequency). This sequence change falls in intron 1 of the CYBB gene. It does not directly change the encoded amino acid sequence of the CYBB protein, but it affects a nucleotide within the consensus splice site of the intron.

Literature cited by the submitters: PubMed 17576681; PubMed 9536098.

NM_000397.4(CYBB):c.45+3A>C

Genes: CYBB (cytochrome b-245 beta chain; plus strand), LOC130068093 (ATAC-STARR-seq lymphoblastoid active region 29519; plus strand). Cytogenetic location: Xp21.1.
Variant type: single nucleotide variant.
Coding change: c.45+3A>C on transcript NM_000397.4 (MANE Select); 3 bases into the intron after coding-DNA position 45, A replaced by C.
Molecular consequence: intron variant.
Genome position (GRCh38, 1-based): chrX:37,780,125, A>C. VCF-style: chrX-37780125-A-C. GRCh37 (hg19) VCF-style: chrX-37639378-A-C.
Identifiers: ClinVar variation 1026196 (VCV001026196.7), dbSNP rs1602173466, ClinGen allele CA2424675434.